The following is an entry in ClinVar:

ClinVar aggregate classification (germline): Uncertain significance. Review status: criteria provided, multiple submitters, no conflicts (2 of 4 stars). 2 submissions from 2 submitters: Uncertain significance (2). Last evaluated 2026-01-04.

gnomAD v4.1: 1 of 1,204,485 alleles (0.000083%); highest among the groups gnomAD compares: Non-Finnish European, 0.00011%; no homozygotes.

Submissions (2):

GeneDx
Classification: Uncertain significance. Last evaluated: 2026-01-04. Review status: criteria provided, single submitter. Criteria: GeneDx Variant Classification Process June 2021. Collection method: clinical testing. Allele origin: germline. Affected: yes.
Comment: Not observed at significant frequency in large population cohorts (gnomAD); In silico analysis supports that this missense variant has a deleterious effect on protein structure/function; Has not been previously published as pathogenic or benign to our knowledge

Labcorp Genetics (formerly Invitae), Labcorp
Classification: Uncertain significance. Last evaluated: 2022-08-19. Review status: criteria provided, single submitter. Criteria: Invitae Variant Classification Sherloc (09022015). Collection method: clinical testing. Allele origin: germline.
Comment: This sequence change replaces asparagine, which is neutral and polar, with isoleucine, which is neutral and non-polar, at codon 170 of the ATP6AP1 protein (p.Asn170Ile). This variant is not present in population databases (gnomAD no frequency). This variant has not been reported in the literature in individuals affected with ATP6AP1-related conditions. ClinVar contains an entry for this variant (Variation ID: 1301498). Algorithms developed to predict the effect of missense changes on protein structure and function are either unavailable or do not agree on the potential impact of this missense change (SIFT: "Deleterious"; PolyPhen-2: "Possibly Damaging"; Align-GVGD: "Class C15"). In summary, the available evidence is currently insufficient to determine the role of this variant in disease. Therefore, it has been classified as a Variant of Uncertain Significance.

NM_001183.6(ATP6AP1):c.509A>T (p.Asn170Ile)

Gene: ATP6AP1 (ATPase H+ transporting accessory protein 1; plus strand). Cytogenetic location: Xq28.
Variant type: single nucleotide variant.
Coding change: c.509A>T on transcript NM_001183.6 (MANE Select); coding-DNA position 509, A replaced by T.
Protein change: p.Asn170Ile; replaces asparagine 170 with isoleucine.
Molecular consequence: missense variant.
Genome position (GRCh38, 1-based): chrX:154,432,411, A>T. VCF-style: chrX-154432411-A-T. GRCh37 (hg19) VCF-style: chrX-153660757-A-T.
Other names: short protein forms N170I.
Identifiers: ClinVar variation 1301498 (VCV001301498.8), dbSNP rs146873302, ClinGen allele CA415189877.